The following is an entry in ClinVar:

ClinVar aggregate classification (germline): Uncertain significance (1 of 4 stars; one submission).

Conditions:
Periodic fever-infantile enterocolitis-autoinflammatory syndrome. Also called: Autoinflammation with infantile enterocolitis. Identifiers: Orphanet 436166, MedGen C4015067, MONDO:0014472, OMIM 616050.
Familial cold autoinflammatory syndrome 4 (FCAS4). Identifiers: Orphanet 47045, Orphanet 576349, MedGen C4015276, MONDO:0014498, OMIM 616115.

Allele frequency attached by ClinVar (database versions not stated): TOPMed below 0.00001.

Submission:

Labcorp Genetics (formerly Invitae), Labcorp
Classification: Uncertain significance for Periodic fever-infantile enterocolitis-autoinflammatory syndrome; Familial cold autoinflammatory syndrome 4. Last evaluated: 2022-05-07. Review status: criteria provided, single submitter. Criteria: Invitae Variant Classification Sherloc (09022015). Collection method: clinical testing. Allele origin: germline.
Comment: This sequence change replaces phenylalanine, which is neutral and non-polar, with serine, which is neutral and polar, at codon 554 of the NLRC4 protein (p.Phe554Ser). This variant is not present in population databases (gnomAD no frequency). This variant has not been reported in the literature in individuals affected with NLRC4-related conditions. Algorithms developed to predict the effect of missense changes on protein structure and function are either unavailable or do not agree on the potential impact of this missense change (SIFT: "Deleterious"; PolyPhen-2: "Probably Damaging"; Align-GVGD: "Class C0"). In summary, the available evidence is currently insufficient to determine the role of this variant in disease. Therefore, it has been classified as a Variant of Uncertain Significance.

NM_001199138.2(NLRC4):c.1661T>C (p.Phe554Ser)

Gene: NLRC4 (NLR family CARD domain containing 4; minus strand). Cytogenetic location: 2p22.3.
Variant type: single nucleotide variant.
Coding change: c.1661T>C on transcript NM_001199138.2 (MANE Select); coding-DNA position 1661, T replaced by C.
Protein change: p.Phe554Ser; replaces phenylalanine 554 with serine.
Molecular consequence: missense variant. On other transcripts: intron variant (1).
Genome position (GRCh38, 1-based): chr2:32,250,203, A>G on the plus strand (T>C on the coding strand, the complement: NLRC4 is on the minus strand). VCF-style: chr2-32250203-A-G. GRCh37 (hg19) VCF-style: chr2-32475272-A-G.
Other names: c.1661T>C, p.Phe554Ser (NM_001199139.2, NM_021209.5); c.262+2216T>C (NM_001302504.1); short protein forms F554S.
Identifiers: ClinVar variation 1489641 (VCV001489641.6), dbSNP rs1687037053, ClinGen allele CA346511986.